The following is an entry in ClinVar:

ClinVar aggregate classification (germline): Benign/Likely benign. Review status: criteria provided, multiple submitters, no conflicts (2 of 4 stars). 12 submissions from 12 submitters: Benign (7); Likely benign (1). 4 of the submissions do not count toward it. Last evaluated 2026-02-03.

Conditions:
Spinocerebellar ataxia type 13 (SCA13). Also called: Spinocerebellar Ataxia Type13. Identifiers: Orphanet 98768, MedGen C1854488, MONDO:0011529, OMIM 605259.

Allele frequency attached by ClinVar (database versions not stated): gnomAD exomes 0.97605 and 0.98323; gnomAD 0.98789 and 0.98830; TOPMed 0.99162; 1000 Genomes Project 30x 0.99610; ExAC 1.00000.
gnomAD v4.1: 1,014,320 of 1,030,808 alleles (98%); highest among the groups gnomAD compares: East Asian, 100%; 499,069 homozygotes.

Submissions (12):

Labcorp Genetics (formerly Invitae), Labcorp
Classification: Benign. Last evaluated: 2026-02-03. Review status: criteria provided, single submitter. Criteria: Invitae Variant Classification Sherloc (09022015). Collection method: clinical testing. Allele origin: germline.

Blueprint Genetics
Classification: Likely benign. Last evaluated: 2024-11-28. Review status: criteria provided, single submitter. Criteria: ACMG Guidelines, 2015. Collection method: clinical testing. Allele origin: germline.

Mayo Clinic Laboratories, Mayo Clinic
Classification: Benign. Last evaluated: 2022-03-24. Review status: criteria provided, single submitter. Criteria: ACMG Guidelines, 2015. Collection method: clinical testing. Allele origin: germline. Observed: 484 variant alleles.

Genome-Nilou Lab
Classification: Benign for Spinocerebellar ataxia type 13. Last evaluated: 2021-08-19. Review status: criteria provided, single submitter. Criteria: ACMG Guidelines, 2015. Collection method: clinical testing. Allele origin: germline. Affected: no.

GeneDx
Classification: Benign. Last evaluated: 2021-04-26. Review status: criteria provided, single submitter. Criteria: GeneDx Variant Classification Process June 2021. Collection method: clinical testing. Allele origin: germline. Affected: yes.
Comment: This variant is associated with the following publications: (PMID: 28830375, 25756792)

Athena Diagnostics
Classification: Benign. Last evaluated: 2019-07-18. Review status: criteria provided, single submitter. Criteria: Athena Diagnostics Criteria. Collection method: clinical testing. Allele origin: germline.

Eurofins Ntd Llc (ga)
Classification: Benign. Last evaluated: 2018-04-10. Review status: criteria provided, single submitter. Criteria: EGL ClinVar v180209 classification definitions. Collection method: clinical testing. Allele origin: germline. Observed: 84 variant alleles, 4 heterozygotes, 80 homozygotes.

Breakthrough Genomics
Classification: Benign. Review status: criteria provided, single submitter. Criteria: ACMG Guidelines, 2015. Collection method: not provided. Allele origin: germline. Inheritance: Autosomal dominant inheritance. Affected: yes.

Clinical Genetics DNA and cytogenetics Diagnostics Lab, Erasmus MC, Erasmus Medical Center
Classification: Likely benign. Review status: no assertion criteria provided. Collection method: clinical testing. Allele origin: germline. Affected: yes. Study: VKGL Data-share Consensus. Not counted in ClinVar's aggregate classification.

Clinical Genetics, Academic Medical Center
Classification: Likely benign. Review status: no assertion criteria provided. Collection method: clinical testing. Allele origin: germline. Affected: yes. Study: VKGL Data-share Consensus. Not counted in ClinVar's aggregate classification.

Diagnostic Laboratory, Department of Genetics, University Medical Center Groningen
Classification: Benign for Spinocerebellar ataxia type 13. Review status: no assertion criteria provided. Collection method: clinical testing. Allele origin: germline. Affected: yes. Study: VKGL Data-share Consensus. Not counted in ClinVar's aggregate classification.

Genome Diagnostics Laboratory, University Medical Center Utrecht
Classification: Benign. Review status: no assertion criteria provided. Collection method: clinical testing. Allele origin: germline. Affected: yes. Study: VKGL Data-share Consensus. Not counted in ClinVar's aggregate classification.

NM_004977.3(KCNC3):c.188A>G (p.Asp63Gly)

Gene: KCNC3 (potassium voltage-gated channel subfamily C member 3; minus strand). Cytogenetic location: 19q13.33.
Variant type: single nucleotide variant.
Coding change: c.188A>G on transcript NM_004977.3 (MANE Select); coding-DNA position 188, A replaced by G.
Protein change: p.Asp63Gly; replaces aspartic acid 63 with glycine.
Molecular consequence: missense variant. On other transcripts: 5 prime UTR variant (1).
Genome position (GRCh38, 1-based): chr19:50,328,895, T>C on the plus strand (A>G on the coding strand, the complement: KCNC3 is on the minus strand). VCF-style: chr19-50328895-T-C. GRCh37 (hg19) VCF-style: chr19-50832152-T-C.
Other names: c.-41A>G (NM_001372305.1); short protein forms D63G.
Identifiers: ClinVar variation 193297 (VCV000193297.22), dbSNP rs375912738, ClinGen allele CA200485.